The following is an entry in ClinVar:

ClinVar aggregate classification (germline): Uncertain significance (1 of 4 stars; one submission).

gnomAD v4.1: 1 of 1,582,574 alleles (0.000063%); highest among the groups gnomAD compares: Admixed American, 0.0017%; no homozygotes.

Submission:

Labcorp Genetics (formerly Invitae), Labcorp
Classification: Uncertain significance. Last evaluated: 2025-11-03. Review status: criteria provided, single submitter. Criteria: Invitae Variant Classification Sherloc (09022015). Collection method: clinical testing. Allele origin: germline.
Comment: This sequence change replaces glutamic acid, which is acidic and polar, with lysine, which is basic and polar, at codon 94 of the RAB3GAP1 protein (p.Glu94Lys). This variant is not present in population databases (gnomAD no frequency). This variant has not been reported in the literature in individuals affected with RAB3GAP1-related conditions. ClinVar contains an entry for this variant (Variation ID: 2122015). An algorithm developed to predict the effect of missense changes on protein structure and function (PolyPhen-2) suggests that this variant is likely to be tolerated. In summary, the available evidence is currently insufficient to determine the role of this variant in disease. Therefore, it has been classified as a Variant of Uncertain Significance.

NM_012233.3(RAB3GAP1):c.280G>A (p.Glu94Lys)

Gene: RAB3GAP1 (RAB3 GTPase activating protein catalytic subunit 1; plus strand). Cytogenetic location: 2q21.3.
Variant type: single nucleotide variant.
Coding change: c.280G>A on transcript NM_012233.3 (MANE Select); coding-DNA position 280, G replaced by A.
Protein change: p.Glu94Lys; replaces glutamic acid 94 with lysine.
Molecular consequence: missense variant.
Genome position (GRCh38, 1-based): chr2:135,091,127, G>A. VCF-style: chr2-135091127-G-A. GRCh37 (hg19) VCF-style: chr2-135848697-G-A.
Other names: c.280G>A, p.Glu94Lys (NM_001172435.2); short protein forms E94K.
Identifiers: ClinVar variation 2122015 (VCV002122015.4), dbSNP rs2468126255, ClinGen allele CA348565869.